The following is an entry in ClinVar:

NM_001164508.2(NEB):c.5160C>T (p.Pro1720=)

Gene: NEB (nebulin; minus strand). Cytogenetic location: 2q23.3.
Variant type: single nucleotide variant.
Coding change: c.5160C>T on transcript NM_001164508.2 (MANE Select); coding-DNA position 5160, C replaced by T.
Protein change: p.Pro1720=; no amino-acid change (proline 1720 retained).
Molecular consequence: synonymous variant.
Genome position (GRCh38, 1-based): chr2:151,665,411, G>A on the plus strand (C>T on the coding strand, the complement: NEB is on the minus strand). VCF-style: chr2-151665411-G-A. GRCh37 (hg19) VCF-style: chr2-152521925-G-A.
Other names: c.5160C>T, p.Pro1720= (NM_001164507.2, NM_001271208.2, NM_004543.5).
Identifiers: ClinVar variation 507554 (VCV000507554.11), dbSNP rs377168964, ClinGen allele CA1910441.
Genomic context (GRCh38, chr2:151,665,411, plus strand): 5'-GTTACTCTTGTTAAGTGCCTGTTCCATTGTGTCCATGGCGTAAGTGAACTTCAGCTTCTC[G>A]GGGTGCTGGCGATACTTCTTCTCACTAAGAATCTCTCCTGCTTTCTTTGCCTTCTCCACC-3'
Protein context (NP_001157980.2, residues 1710-1730): ILSEKKYRQH[Pro1720=]EKLKFTYAMD

ClinVar aggregate classification (germline): Likely benign. Review status: criteria provided, multiple submitters, no conflicts (2 of 4 stars). 2 submissions from 2 submitters: Likely benign (2). Last evaluated 2026-01-27.

Conditions:
Nemaline myopathy 2 (NEM2). Also called: Nemaline myopathy 2, autosomal recessive. Identifiers: MedGen C1850569, MONDO:0009725, OMIM 256030.

Allele frequency attached by ClinVar (database versions not stated): TOPMed 0.00005; gnomAD 0.00007; ESP Exome Variant Server 0.00008; gnomAD exomes 0.00009; ExAC 0.00011.

Submissions (2):

Labcorp Genetics (formerly Invitae), Labcorp
Classification: Likely benign for Nemaline myopathy 2. Last evaluated: 2026-01-27. Review status: criteria provided, single submitter. Criteria: Invitae Variant Classification Sherloc (09022015). Collection method: clinical testing. Allele origin: germline.

GeneDx
Classification: Likely benign. Last evaluated: 2017-02-28. Review status: criteria provided, single submitter. Criteria: GeneDx Variant Classification (06012015). Collection method: clinical testing. Allele origin: germline. Affected: yes.
Comment: This variant is considered likely benign or benign based on one or more of the following criteria: it is a conservative change, it occurs at a poorly conserved position in the protein, it is predicted to be benign by multiple in silico algorithms, and/or has population frequency not consistent with disease.